The following is an entry in ClinVar:

NM_004183.4(BEST1):c.1064G>A (p.Arg355His)

Gene: BEST1 (bestrophin 1; plus strand). Cytogenetic location: 11q12.3.
Variant type: single nucleotide variant.
Coding change: c.1064G>A on transcript NM_004183.4 (MANE Select); coding-DNA position 1064, G replaced by A.
Protein change: p.Arg355His; replaces arginine 355 with histidine.
Molecular consequence: missense variant. On other transcripts: non-coding transcript variant (1).
Genome position (GRCh38, 1-based): chr11:61,960,007, G>A. VCF-style: chr11-61960007-G-A. GRCh37 (hg19) VCF-style: chr11-61727479-G-A.
Other names: c.884G>A, p.Arg295His (NM_001139443.3, NM_001300787.2); c.803G>A, p.Arg268His (NM_001300786.2); c.746G>A, p.Arg249His (NM_001363591.3); c.1267G>A, p.Val423Ile (NM_001363592.2); c.92G>A, p.Arg31His (NM_001363593.3); short protein forms R355H, V423I, R31H, R249H, R268H, R295H.
Identifiers: ClinVar variation 305124 (VCV000305124.17), dbSNP rs368356148, ClinGen allele CA6040975.

ClinVar aggregate classification (germline): Uncertain significance. Review status: criteria provided, multiple submitters, no conflicts (2 of 4 stars). 4 submissions from 4 submitters: Uncertain significance (4). Last evaluated 2026-06-24.

Conditions:
BEST1-related disorder. Also called: BEST1-related disorders; BEST1-related condition. Identifiers: MedGen CN239200.
Retinitis pigmentosa (RP). Identifiers: Orphanet 791, MedGen C0035334, MeSH D012174, MONDO:0019200, OMIM 268000. Inheritance: Autosomal dominant, autosomal recessive and X linked inheritance.

Allele frequency attached by ClinVar (database versions not stated): TOPMed 0.00004; gnomAD 0.00005 and 0.00007; ExAC 0.00006; gnomAD exomes 0.00008 and 0.00010; 1000 Genomes Project 30x 0.00016; 1000 Genomes Project 0.00020.
gnomAD v4.1: 159 of 1,610,928 alleles (0.0099%); highest among the groups gnomAD compares: South Asian, 0.035%; no homozygotes.

Submissions (4):

PreventionGenetics, part of Exact Sciences
Classification: Uncertain significance for BEST1-related condition. Last evaluated: 2026-06-24. Review status: criteria provided, single submitter. Criteria: ACMG Guidelines, 2015. Collection method: clinical testing. Allele origin: germline.
Comment: The BEST1 c.1064G>A variant is predicted to result in the amino acid substitution p.Arg355His. This variant has been reported along with two other BEST1 variants in an individual with bestrophinopathy (Table S2, Tian et al. 2017. PubMed ID: 28687848). This variant is present in 0.024% of alleles in individuals of South Asian descent in gnomAD. At this time, the clinical significance of this variant is uncertain due to the absence of conclusive functional and genetic evidence.

Labcorp Genetics (formerly Invitae), Labcorp
Classification: Uncertain significance. Last evaluated: 2025-04-21. Review status: criteria provided, single submitter. Criteria: Invitae Variant Classification Sherloc (09022015). Collection method: clinical testing. Allele origin: germline.
Comment: This sequence change replaces arginine, which is basic and polar, with histidine, which is basic and polar, at codon 355 of the BEST1 protein (p.Arg355His). This variant is present in population databases (rs368356148, gnomAD 0.02%). This missense change has been observed in individual(s) with autosomal recessive bestrophinopathy (PMID: 28687848). ClinVar contains an entry for this variant (Variation ID: 305124). Invitae Evidence Modeling of protein sequence and biophysical properties (such as structural, functional, and spatial information, amino acid conservation, physicochemical variation, residue mobility, and thermodynamic stability) has been performed for this missense variant. However, the output from this modeling did not meet the statistical confidence thresholds required to predict the impact of this variant on BEST1 protein function. In summary, the available evidence is currently insufficient to determine the role of this variant in disease. Therefore, it has been classified as a Variant of Uncertain Significance.

Blueprint Genetics
Classification: Uncertain significance. Last evaluated: 2024-10-23. Review status: criteria provided, single submitter. Criteria: ACMG Guidelines, 2015. Collection method: clinical testing. Allele origin: germline.

Illumina Laboratory Services, Illumina
Classification: Uncertain significance for Retinitis pigmentosa. Last evaluated: 2018-01-12. Review status: criteria provided, single submitter. Criteria: ICSL Variant Classification Criteria 13 December 2019. Collection method: clinical testing. Allele origin: germline.

Literature cited by the submitters: PubMed 28687848 (cited by Labcorp Genetics (formerly Invitae), Labcorp).